The following is an entry in ClinVar:

NM_004006.3(DMD):c.831+10G>A

Gene: DMD (dystrophin; minus strand). Cytogenetic location: Xp21.1.
Variant type: single nucleotide variant.
Coding change: c.831+10G>A on transcript NM_004006.3 (MANE Select); 10 bases into the intron after coding-DNA position 831, G replaced by A.
Molecular consequence: intron variant.
Genome position (GRCh38, 1-based): chrX:32,699,102, C>T on the plus strand (G>A on the coding strand, the complement: DMD is on the minus strand). VCF-style: chrX-32699102-C-T. GRCh37 (hg19) VCF-style: chrX-32717219-C-T.
Other names: c.807+10G>A (NM_000109.4); c.819+10G>A (NM_004009.3); c.462+10G>A (NM_004010.3).
Identifiers: ClinVar variation 455933 (VCV000455933.15), dbSNP rs756370588, ClinGen allele CA10380064.

ClinVar aggregate classification (germline): Likely benign. Review status: criteria provided, multiple submitters, no conflicts (2 of 4 stars). 5 submissions from 5 submitters: Likely benign (4). 1 of the submissions does not count toward it. Last evaluated 2026-01-18.

Conditions:
Dystrophin deficiency.
Duchenne muscular dystrophy (DMD). Also called: MUSCULAR DYSTROPHY, PSEUDOHYPERTROPHIC PROGRESSIVE, DUCHENNE TYPE; Duchenne Muscular Dystrophy (DMD). Identifiers: Orphanet 98896, MedGen C0013264, MONDO:0010679, OMIM 310200.
Cardiomyopathy (CMYO). Also called: Cardiomyopathies. Identifiers: Orphanet 167848, MedGen C0878544, MONDO:0004994, HP:0001638. Inheritance: Various modes of inheritance.
Becker muscular dystrophy (BMD). Also called: Becker Muscular Dystrophy (BMD); MUSCULAR DYSTROPHY, PSEUDOHYPERTROPHIC PROGRESSIVE, BECKER TYPE. Identifiers: Orphanet 98895, MedGen C0917713, MONDO:0010311, OMIM 300376.

Allele frequency attached by ClinVar (database versions not stated): gnomAD 0.00002 and 0.00003; TOPMed 0.00004; ExAC 0.00001; gnomAD exomes 0.00001.
gnomAD v4.1: 43 of 1,200,725 alleles (0.0036%); highest among the groups gnomAD compares: Non-Finnish European, 0.0044%; no homozygotes.

Submissions (5):

Labcorp Genetics (formerly Invitae), Labcorp
Classification: Likely benign for Duchenne muscular dystrophy. Last evaluated: 2026-01-18. Review status: criteria provided, single submitter. Criteria: Invitae Variant Classification Sherloc (09022015). Collection method: clinical testing. Allele origin: germline.

Molecular Diagnostic Laboratory for Inherited Cardiovascular Disease, Montreal Heart Institute
Classification: Likely benign. Last evaluated: 2025-04-09. Review status: criteria provided, single submitter. Criteria: ACMG Guidelines, 2015. Collection method: clinical testing. Allele origin: germline. Affected: no.

Blueprint Genetics
Classification: Likely benign. Last evaluated: 2024-08-23. Review status: criteria provided, single submitter. Criteria: ACMG Guidelines, 2015. Collection method: clinical testing. Allele origin: germline.

GeneDx
Classification: Likely benign. Last evaluated: 2018-03-23. Review status: criteria provided, single submitter. Criteria: GeneDx Variant Classification (06012015). Collection method: clinical testing. Allele origin: germline. Affected: yes.
Comment: This variant is considered likely benign or benign based on one or more of the following criteria: it is a conservative change, it occurs at a poorly conserved position in the protein, it is predicted to be benign by multiple in silico algorithms, and/or has population frequency not consistent with disease.

Natera, Inc.
Classification: Likely benign for Becker muscular dystrophy; Cardiomyopathy; Duchenne muscular dystrophy; Dystrophin deficiency. Last evaluated: 2020-04-21. Review status: no assertion criteria provided. Collection method: clinical testing. Allele origin: germline. Not counted in ClinVar's aggregate classification.